The following is an entry in ClinVar:

ClinVar aggregate classification (germline): Pathogenic (1 of 4 stars; one submission).

Conditions:
Hereditary hemochromatosis (HFE). Identifiers: MedGen C0392514, MONDO:0006507. Disease mechanism: loss of function.

Allele frequency attached by ClinVar (database versions not stated): gnomAD exomes below 0.00001; TOPMed below 0.00001.
gnomAD v4.1: 2 of 1,613,906 alleles (0.00012%); highest among the groups gnomAD compares: South Asian, 0.0011%; no homozygotes.

Submission:

Labcorp Genetics (formerly Invitae), Labcorp
Classification: Pathogenic for Hereditary hemochromatosis. Last evaluated: 2023-02-08. Review status: criteria provided, single submitter. Criteria: Invitae Variant Classification Sherloc (09022015). Collection method: clinical testing. Allele origin: germline.
Comment: This sequence change creates a premature translational stop signal (p.Gln190*) in the HFE gene. It is expected to result in an absent or disrupted protein product. Loss-of-function variants in HFE are known to be pathogenic (PMID: 27518069). This variant is not present in population databases (gnomAD no frequency). This variant has not been reported in the literature in individuals affected with HFE-related conditions. For these reasons, this variant has been classified as Pathogenic.

Literature cited by the submitters: PubMed 27518069.

NM_000410.4(HFE):c.568C>T (p.Gln190Ter)

Gene: HFE (homeostatic iron regulator; plus strand). Cytogenetic location: 6p22.2.
Variant type: single nucleotide variant.
Coding change: c.568C>T on transcript NM_000410.4 (MANE Select); coding-DNA position 568, C replaced by T.
Protein change: p.Gln190Ter; replaces glutamine 190 with a stop codon.
Molecular consequence: nonsense. On other transcripts: intron variant (4).
Genome position (GRCh38, 1-based): chr6:26,091,541, C>T. VCF-style: chr6-26091541-C-T. GRCh37 (hg19) VCF-style: chr6-26091769-C-T.
Other names: c.568C>T, p.Gln190Ter (NM_001300749.3, NM_001384164.1, NM_001406751.1 and 1 more transcripts); c.304C>T, p.Gln102Ter (NM_001406752.1, NM_139007.3, NM_139008.3); c.499C>T, p.Gln167Ter (NM_139009.3); c.340+437C>T (NM_139004.3, NM_139003.3); c.77-1144C>T (NM_139010.3); c.77-1578C>T (NM_139011.3); short protein forms Q167*, Q190*, Q102*.
Identifiers: ClinVar variation 3017513 (VCV003017513.3), dbSNP rs1330944743, ClinGen allele CA363207126.